The following is an entry in ClinVar:

ClinVar aggregate classification (germline): Pathogenic/Likely pathogenic. Review status: criteria provided, multiple submitters, no conflicts (2 of 4 stars). 2 submissions from 2 submitters: Pathogenic (1); Likely pathogenic (1). Last evaluated 2025-08-14.

Conditions:
PHF8-related disorder. Also called: PHF8-related condition.

Submissions (2):

PreventionGenetics, part of Exact Sciences
Classification: Likely pathogenic for PHF8-related condition. Last evaluated: 2025-08-14. Review status: criteria provided, single submitter. Criteria: ACMG Guidelines, 2015. Collection method: clinical testing. Allele origin: germline.
Comment: The PHF8 c.2713C>T variant is predicted to result in premature protein termination (p.Gln905*). To our knowledge, this variant has not been reported in the literature or in a large population database (gnomAD), indicating this variant is rare. Nonsense variants in PHF8 are expected to be pathogenic. This variant is interpreted as likely pathogenic.

GeneDx
Classification: Pathogenic. Last evaluated: 2019-12-05. Review status: criteria provided, single submitter. Criteria: GeneDx Variant Classification Process June 2021. Collection method: clinical testing. Allele origin: germline. Affected: yes.
Comment: Nonsense variant predicted to result in protein truncation or nonsense mediated decay in a gene for which loss-of-function is a known mechanism of disease; Not observed in large population cohorts (Lek et al., 2016); Has not been previously published as pathogenic or benign to our knowledge

NM_015107.3(PHF8):c.2713C>T (p.Gln905Ter)

Gene: PHF8 (PHD finger protein 8; minus strand). Cytogenetic location: Xp11.22.
Variant type: single nucleotide variant.
Coding change: c.2713C>T on transcript NM_015107.3 (MANE Select); coding-DNA position 2713, C replaced by T.
Protein change: p.Gln905Ter; replaces glutamine 905 with a stop codon.
Molecular consequence: nonsense.
Genome position (GRCh38, 1-based): chrX:53,940,453, G>A on the plus strand (C>T on the coding strand, the complement: PHF8 is on the minus strand). VCF-style: chrX-53940453-G-A. GRCh37 (hg19) VCF-style: chrX-53966886-G-A.
Other names: c.2821C>T, p.Gln941Ter (NM_001184896.1); c.2410C>T, p.Gln804Ter (NM_001184897.2); short protein forms Q941*, Q804*, Q905*.
Identifiers: ClinVar variation 817530 (VCV000817530.4), dbSNP rs1603298803, ClinGen allele CA413241195.